The following is an entry in ClinVar:

NM_024301.5(FKRP):c.688G>T (p.Gly230Cys)

Gene: FKRP (fukutin related protein; plus strand). Cytogenetic location: 19q13.32.
Variant type: single nucleotide variant.
Coding change: c.688G>T on transcript NM_024301.5 (MANE Select); coding-DNA position 688, G replaced by T.
Protein change: p.Gly230Cys; replaces glycine 230 with cysteine.
Molecular consequence: missense variant.
Genome position (GRCh38, 1-based): chr19:46,756,138, G>T. VCF-style: chr19-46756138-G-T. GRCh37 (hg19) VCF-style: chr19-47259395-G-T.
Other names: c.688G>T, p.Gly230Cys (NM_001039885.3); short protein forms G230C.
Identifiers: ClinVar variation 1999179 (VCV001999179.4), dbSNP rs761054322, ClinGen allele CA406495811.

ClinVar aggregate classification (germline): Uncertain significance (1 of 4 stars; one submission).

Conditions:
Walker-Warburg congenital muscular dystrophy. Also called: Muscular dystrophy-dystroglycanopathy, type A; Walker-Warburg syndrome. Identifiers: Orphanet 899, MedGen C0265221, MONDO:0000171.

Submission:

Labcorp Genetics (formerly Invitae), Labcorp
Classification: Uncertain significance for Walker-Warburg congenital muscular dystrophy. Last evaluated: 2022-06-05. Review status: criteria provided, single submitter. Criteria: Invitae Variant Classification Sherloc (09022015). Collection method: clinical testing. Allele origin: germline.
Comment: This variant is not present in population databases (gnomAD no frequency). This sequence change replaces glycine, which is neutral and non-polar, with cysteine, which is neutral and slightly polar, at codon 230 of the FKRP protein (p.Gly230Cys). This variant has not been reported in the literature in individuals affected with FKRP-related conditions. Algorithms developed to predict the effect of missense changes on protein structure and function are either unavailable or do not agree on the potential impact of this missense change (SIFT: "Deleterious"; PolyPhen-2: "Probably Damaging"; Align-GVGD: "Class C15"). In summary, the available evidence is currently insufficient to determine the role of this variant in disease. Therefore, it has been classified as a Variant of Uncertain Significance.